The following is an entry in ClinVar:

NM_000312.4(PROC):c.1163C>T (p.Ala388Val)

Gene: PROC (protein C, inactivator of coagulation factors Va and VIIIa; plus strand). Cytogenetic location: 2q14.3.
Variant type: single nucleotide variant.
Coding change: c.1163C>T on transcript NM_000312.4 (MANE Select); coding-DNA position 1163, C replaced by T.
Protein change: p.Ala388Val; replaces alanine 388 with valine.
Molecular consequence: missense variant.
Genome position (GRCh38, 1-based): chr2:127,428,723, C>T. VCF-style: chr2-127428723-C-T. GRCh37 (hg19) VCF-style: chr2-128186299-C-T.
Other names: p.Ala388Val; c.1265C>T, p.Ala422Val (NM_001375605.1); c.1331C>T, p.Ala444Val (NM_001375606.1); c.1349C>T, p.Ala450Val (NM_001375607.1); c.1106C>T, p.Ala369Val (NM_001375608.1); c.1139C>T, p.Ala380Val (NM_001375609.1); c.1157C>T, p.Ala386Val (NM_001375610.1); c.1163C>T, p.Ala388Val (NM_001375611.1, NM_001375613.1); and 3 more; short protein forms A388V, A369V, A380V, A386V, A409V, A422V, A443V, A444V.
Identifiers: ClinVar variation 627215 (VCV000627215.7), dbSNP rs769277939, ClinGen allele CA55351245.

ClinVar aggregate classification (germline): Conflicting classifications of pathogenicity. Review status: criteria provided, conflicting classifications (1 of 4 stars). 6 submissions from 6 submitters: Pathogenic (2); Likely pathogenic (2); Uncertain significance (1). 1 of the submissions does not count toward it. Last evaluated 2026-08-29.

Conditions:
PROC-related disorder. Also called: PROC-related condition.
Reduced protein C activity. Identifiers: MedGen C0398625, MeSH D020151, HP:0005543.
Thrombophilia due to protein C deficiency, autosomal dominant. Also called: PROC DEFICIENCY, AUTOSOMAL DOMINANT; PROTEIN C DEFICIENCY, AUTOSOMAL DOMINANT. Identifiers: Orphanet 745, MedGen C2674321, MONDO:0008316, OMIM 176860. Disease mechanism: loss of function.
Thrombophilia due to protein C deficiency, autosomal recessive. Also called: PROC DEFICIENCY, AUTOSOMAL RECESSIVE; PROTEIN C DEFICIENCY, AUTOSOMAL RECESSIVE. Identifiers: Orphanet 745, MedGen C2676759, MONDO:0012860, OMIM 612304.

gnomAD v4.1: 4 of 1,613,634 alleles (0.00025%); highest among the groups gnomAD compares: Non-Finnish European, 0.00025%; no homozygotes.

Submissions (6):

PreventionGenetics, part of Exact Sciences
Classification: Pathogenic for PROC-related condition. Last evaluated: 2026-08-29. Review status: criteria provided, single submitter. Criteria: ACMG Guidelines, 2015. Collection method: clinical testing. Allele origin: germline.
Comment: The PROC c.1163C>T variant is predicted to result in the amino acid substitution p.Ala388Val. This variant, also known as p.Ala346Val using legacy nomenclature, has been reported in the heterozygous and compound heterozygous state in individuals with protein C deficiency (Poort et al. 1993. PubMed ID: 8499565; Athar et al. 2021. PubMed ID: 34015304; Tang et al. 2022. PubMed ID: 35026611). This variant has not been reported in a large population database, indicating this is rare. This variant is interpreted as pathogenic.

Labcorp Genetics (formerly Invitae), Labcorp
Classification: Uncertain significance for Thrombophilia due to protein C deficiency, autosomal dominant. Last evaluated: 2025-07-27. Review status: criteria provided, single submitter. Criteria: Invitae Variant Classification Sherloc (09022015). Collection method: clinical testing. Allele origin: germline.
Comment: This sequence change replaces alanine, which is neutral and non-polar, with valine, which is neutral and non-polar, at codon 388 of the PROC protein (p.Ala388Val). This variant is not present in population databases (gnomAD no frequency). This missense change has been observed in individual(s) with protein C deficiency and/or purpura fulminans (PMID: 8499565, 31064749, 34015304, 35026611). ClinVar contains an entry for this variant (Variation ID: 627215). Invitae Evidence Modeling of protein sequence and biophysical properties (such as structural, functional, and spatial information, amino acid conservation, physicochemical variation, residue mobility, and thermodynamic stability) indicates that this missense variant is expected to disrupt PROC protein function with a positive predictive value of 80%. In summary, the available evidence is currently insufficient to determine the role of this variant in disease. Therefore, it has been classified as a Variant of Uncertain Significance.

Mayo Clinic Laboratories, Mayo Clinic
Classification: Pathogenic. Last evaluated: 2025-07-23. Review status: criteria provided, single submitter. Criteria: ACMG Guidelines, 2015. Collection method: clinical testing. Allele origin: germline. Observed: 2 variant alleles.
Comment: PP3_moderate, PM2_supporting, PM3_strong, PS4

ISTH-SSC Genomics in Thrombosis and Hemostasis, KU Leuven, Center for Molecular and Vascular Biology
Classification: Likely pathogenic for Thrombophilia due to protein C deficiency, autosomal dominant. Last evaluated: 2020-01-01. Review status: criteria provided, single submitter. Criteria: ACMG Guidelines, 2015. Collection method: clinical testing. Allele origin: unknown. Affected: yes.
Comment: Submitted to GoldVariant by Kathleen Freson, Center for Molecular and Vascular Biology, Leuven, Belgium

NIHR Bioresource Rare Diseases, University of Cambridge
Classification: Likely pathogenic for Reduced protein C activity. Last evaluated: 2019-02-01. Review status: criteria provided, single submitter. Criteria: ACMG Guidelines, 2015. Collection method: research. Allele origin: unknown. Affected: yes. Observed: 1 heterozygote. Study: ThromboGenomics.

Biochemical Molecular Genetic Laboratory, King Abdulaziz Medical City
Classification: Pathogenic for Thrombophilia due to protein C deficiency, autosomal recessive. Last evaluated: 2019-01-29. Review status: no assertion criteria provided. Collection method: clinical testing. Allele origin: germline. Affected: yes. Not counted in ClinVar's aggregate classification.

Literature cited by the submitters: PubMed 8499565 (cited by Labcorp Genetics (formerly Invitae), Labcorp and Mayo Clinic Laboratories, Mayo Clinic); PubMed 31064749 (cited by Labcorp Genetics (formerly Invitae), Labcorp and NIHR Bioresource Rare Diseases, University of Cambridge); PubMed 34015304 (cited by Labcorp Genetics (formerly Invitae), Labcorp and Mayo Clinic Laboratories, Mayo Clinic); PubMed 35026611 (cited by Labcorp Genetics (formerly Invitae), Labcorp and Mayo Clinic Laboratories, Mayo Clinic); PubMed 28265398 (cited by Mayo Clinic Laboratories, Mayo Clinic); PubMed 34355501 (cited by ISTH-SSC Genomics in Thrombosis and Hemostasis, KU Leuven, Center for Molecular and Vascular Biology).